The following is an entry in ClinVar:

NM_000361.3(THBD):c.1523C>A (p.Pro508Gln)

Gene: THBD (thrombomodulin; minus strand). Cytogenetic location: 20p11.21.
Variant type: single nucleotide variant.
Coding change: c.1523C>A on transcript NM_000361.3 (MANE Select); coding-DNA position 1523, C replaced by A.
Protein change: p.Pro508Gln; replaces proline 508 with glutamine.
Molecular consequence: missense variant.
Genome position (GRCh38, 1-based): chr20:23,047,982, G>T on the plus strand (C>A on the coding strand, the complement: THBD is on the minus strand). VCF-style: chr20-23047982-G-T. GRCh37 (hg19) VCF-style: chr20-23028619-G-T.
Other names: short protein forms P508Q.
Identifiers: ClinVar variation 2500612 (VCV002500612.1), dbSNP rs201936427, ClinGen allele CA408405355.

ClinVar aggregate classification (germline): Uncertain significance (1 of 4 stars; one submission).

Submission:

GeneDx
Classification: Uncertain significance. Last evaluated: 2022-10-28. Review status: criteria provided, single submitter. Criteria: GeneDx Variant Classification Process June 2021. Collection method: clinical testing. Allele origin: germline. Affected: yes.
Comment: Not observed at significant frequency in large population cohorts (gnomAD); In silico analysis supports that this missense variant does not alter protein structure/function; Has not been previously published as pathogenic or benign to our knowledge